The following is an entry in ClinVar:

ClinVar aggregate classification (germline): Uncertain significance (1 of 4 stars; one submission).

Conditions:
Hereditary cancer-predisposing syndrome. Also called: Neoplastic Syndromes, Hereditary; Tumor predisposition; Hereditary Cancer Syndrome; Hereditary neoplastic syndrome. Identifiers: Orphanet 140162, MedGen C0027672, MeSH D009386, MONDO:0015356.

gnomAD v4.1: 1 of 968,940 alleles (0.0001%); highest among the groups gnomAD compares: Non-Finnish European, 0.00017%; no homozygotes.

Submission:

Ambry Genetics
Classification: Uncertain significance for Hereditary cancer-predisposing syndrome. Last evaluated: 2026-05-11. Review status: criteria provided, single submitter. Criteria: Ambry Variant Classification Scheme 2023. Collection method: clinical testing. Allele origin: germline.
Comment: The c.909+85G>A intronic variant results from a G to A substitution 85 nucleotides after coding exon 5 in the MSH3 gene. This nucleotide position is highly conserved on limited sequence alignment. In silico splice site analysis predicts that this alteration may result in the creation or strengthening of a novel splice donor site; however, direct evidence is insufficient at this time (Ambry internal data). Based on the available evidence, the clinical significance of this variant remains unclear.

NM_002439.5(MSH3):c.909+85G>A

Gene: MSH3 (mutS homolog 3; plus strand). Cytogenetic location: 5q14.1.
Variant type: single nucleotide variant.
Coding change: c.909+85G>A on transcript NM_002439.5 (MANE Select); 85 bases into the intron after coding-DNA position 909, G replaced by A.
Molecular consequence: intron variant.
Genome position (GRCh38, 1-based): chr5:80,672,445, G>A. VCF-style: chr5-80672445-G-A. GRCh37 (hg19) VCF-style: chr5-79968264-G-A.
Identifiers: ClinVar variation 3913602 (VCV003913602.2).